The following is an entry in ClinVar:

ClinVar aggregate classification (germline): Uncertain significance (1 of 4 stars; one submission).

Conditions:
Inborn genetic diseases. Identifiers: MedGen C0950123, MeSH D030342.

Submission:

Ambry Genetics
Classification: Uncertain significance for Inborn genetic diseases. Last evaluated: 2024-12-20. Review status: criteria provided, single submitter. Criteria: Ambry Variant Classification Scheme 2023. Collection method: clinical testing. Allele origin: germline.
Comment: The p.S1450A variant (also known as c.4348T>G), located in coding exon 1 of the SAMD9 gene, results from a T to G substitution at nucleotide position 4348. The serine at codon 1450 is replaced by alanine, an amino acid with similar properties. This amino acid position is conserved. In addition, this alteration is predicted to be tolerated by in silico analysis. Based on the available evidence, the clinical significance of this variant remains unclear.

NM_017654.4(SAMD9):c.4348T>G (p.Ser1450Ala)

Gene: SAMD9 (sterile alpha motif domain containing 9; minus strand). Cytogenetic location: 7q21.2.
Variant type: single nucleotide variant.
Coding change: c.4348T>G on transcript NM_017654.4 (MANE Select); coding-DNA position 4348, T replaced by G.
Protein change: p.Ser1450Ala; replaces serine 1450 with alanine.
Molecular consequence: missense variant.
Genome position (GRCh38, 1-based): chr7:93,101,750, A>C on the plus strand (T>G on the coding strand, the complement: SAMD9 is on the minus strand). VCF-style: chr7-93101750-A-C. GRCh37 (hg19) VCF-style: chr7-92731063-A-C.
Other names: c.4348T>G, p.Ser1450Ala (NM_001193307.2); short protein forms S1450A.
Identifiers: ClinVar variation 3791933 (VCV003791933.1).